The following is an entry in ClinVar:

NM_019109.5(ALG1):c.450C>A (p.Ser150Arg)

Gene: ALG1 (ALG1 chitobiosyldiphosphodolichol beta-mannosyltransferase; plus strand). Cytogenetic location: 16p13.3.
Variant type: single nucleotide variant.
Coding change: c.450C>A on transcript NM_019109.5 (MANE Select); coding-DNA position 450, C replaced by A.
Protein change: p.Ser150Arg; replaces serine 150 with arginine.
Molecular consequence: missense variant.
Genome position (GRCh38, 1-based): chr16:5,075,447, C>A. VCF-style: chr16-5075447-C-A. GRCh37 (hg19) VCF-style: chr16-5125448-C-A.
Other names: c.117C>A, p.Ser39Arg (NM_001330504.2); short protein forms S150R, S39R.
Identifiers: ClinVar variation 690326 (VCV000690326.8), dbSNP rs121908340, ClinGen allele CA394680420.
Genomic context (GRCh38, chr16:5,075,447, plus strand): 5'-GAACCCCCCAGGTCTGCCTAGCATTGCTGTCTGCTGGTTCGTGGGCTGCCTTTGTGGAAG[C>A]AAGCTCGTCATTGACTGGCACAACTATGGCTACTCCATCATGGGTCTGGTGCATGGCCCC-3'
Protein context (NP_061982.3, residues 140-160): VCWFVGCLCG[Ser150Arg]KLVIDWHNYG

ClinVar aggregate classification (germline): Pathogenic. Review status: criteria provided, single submitter (1 of 4 stars). 2 submissions from 2 submitters: Pathogenic (1). 1 of the submissions does not count toward it. Last evaluated 2022-11-22.

Conditions:
Congenital disorder of glycosylation (CDG). Also called: Carbohydrate-deficient glycoprotein syndrome; Congenital disorders of glycosylation. Identifiers: Orphanet 137, MedGen C0282577, MONDO:0015286.
ALG1-congenital disorder of glycosylation. Also called: CONGENITAL DISORDER OF GLYCOSYLATION, TYPE Ik; CDG Ik; ALG1-CDG. Identifiers: Orphanet 79327, MedGen C2931005, MONDO:0012052, OMIM 608540.

Submissions (2):

Labcorp Genetics (formerly Invitae), Labcorp
Classification: Pathogenic for ALG1-congenital disorder of glycosylation. Last evaluated: 2022-11-22. Review status: criteria provided, single submitter. Criteria: Invitae Variant Classification Sherloc (09022015). Collection method: clinical testing. Allele origin: germline.
Comment: For these reasons, this variant has been classified as Pathogenic. This sequence change replaces serine, which is neutral and polar, with arginine, which is basic and polar, at codon 150 of the ALG1 protein (p.Ser150Arg). This variant is not present in population databases (gnomAD no frequency). This missense change has been observed in individual(s) with ALG1-congenital disorder of glycosylation (PMID: 14709599, 20679665, 26931382). ClinVar contains an entry for this variant (Variation ID: 690326). Advanced modeling of protein sequence and biophysical properties (such as structural, functional, and spatial information, amino acid conservation, physicochemical variation, residue mobility, and thermodynamic stability) performed at Invitae indicates that this missense variant is not expected to disrupt ALG1 protein function.

University of Washington Center for Mendelian Genomics, University of Washington
Classification: Likely pathogenic for Congenital disorder of glycosylation. Last evaluated: 2017-05-25. Review status: no assertion criteria provided. Collection method: research. Allele origin: unknown. Affected: yes. Not counted in ClinVar's aggregate classification.

Literature cited by the submitters: PubMed 14709599 (cited by Labcorp Genetics (formerly Invitae), Labcorp); PubMed 20679665 (cited by Labcorp Genetics (formerly Invitae), Labcorp); PubMed 26931382 (cited by Labcorp Genetics (formerly Invitae), Labcorp and University of Washington Center for Mendelian Genomics, University of Washington).